The following is an entry in ClinVar:

ClinVar aggregate classification (germline): Likely benign. Review status: criteria provided, multiple submitters, no conflicts (2 of 4 stars). 3 submissions from 3 submitters: Likely benign (3). Last evaluated 2024-10-11.

Conditions:
Tuberous sclerosis 2 (TSC2). Identifiers: Orphanet 805, MedGen C1860707, MONDO:0013199, OMIM 613254.
Hereditary cancer-predisposing syndrome. Also called: Neoplastic Syndromes, Hereditary; Hereditary neoplastic syndrome; Tumor predisposition; Hereditary Cancer Syndrome. Identifiers: Orphanet 140162, MedGen C0027672, MeSH D009386, MONDO:0015356.

Submissions (3):

Ambry Genetics
Classification: Likely benign for Hereditary cancer-predisposing syndrome. Last evaluated: 2024-10-11. Review status: criteria provided, single submitter. Criteria: Ambry Variant Classification Scheme 2023. Collection method: clinical testing. Allele origin: germline.

Labcorp Genetics (formerly Invitae), Labcorp
Classification: Likely benign for Tuberous sclerosis 2. Last evaluated: 2022-07-13. Review status: criteria provided, single submitter. Criteria: Invitae Variant Classification Sherloc (09022015). Collection method: clinical testing. Allele origin: germline.

GeneDx
Classification: Likely benign. Last evaluated: 2016-06-13. Review status: criteria provided, single submitter. Criteria: GeneDx Variant Classification (06012015). Collection method: clinical testing. Allele origin: germline. Affected: yes.
Comment: This variant is considered likely benign or benign based on one or more of the following criteria: it is a conservative change, it occurs at a poorly conserved position in the protein, it is predicted to be benign by multiple in silico algorithms, and/or has population frequency not consistent with disease.

NM_000548.5(TSC2):c.4167C>G (p.Pro1389=)

Gene: TSC2 (TSC complex subunit 2; plus strand). Cytogenetic location: 16p13.3.
Variant type: single nucleotide variant.
Coding change: c.4167C>G on transcript NM_000548.5 (MANE Select); coding-DNA position 4167, C replaced by G.
Protein change: p.Pro1389=; no amino-acid change (proline 1389 retained).
Molecular consequence: synonymous variant.
Genome position (GRCh38, 1-based): chr16:2,084,389, C>G. VCF-style: chr16-2084389-C-G. GRCh37 (hg19) VCF-style: chr16-2134390-C-G.
Other names: c.3858C>G, p.Pro1286= (NM_001318827.2); c.3822C>G, p.Pro1274= (NM_001318829.2); c.3435C>G, p.Pro1145= (NM_001318831.2); c.3999C>G, p.Pro1333= (NM_001318832.2); c.3969C>G, p.Pro1323= (NM_001363528.2); c.4035C>G, p.Pro1345= (NM_001370404.1); c.4038C>G, p.Pro1346= (NM_001370405.1, NM_021055.3); c.3966C>G, p.Pro1322= (NM_001077183.3); and 1 more.
Identifiers: ClinVar variation 386872 (VCV000386872.6), dbSNP rs45508504, ClinGen allele CA16608066.